The following is an entry in ClinVar:

NM_000369.5(TSHR):c.1432C>T (p.His478Tyr)

Genes: TSHR (thyroid stimulating hormone receptor; plus strand), TSHR-AS1 (TSHR antisense RNA 1; minus strand). Cytogenetic location: 14q31.1.
Variant type: single nucleotide variant.
Coding change: c.1432C>T on transcript NM_000369.5 (MANE Select); coding-DNA position 1432, C replaced by T.
Protein change: p.His478Tyr; replaces histidine 478 with tyrosine.
Molecular consequence: missense variant.
Genome position (GRCh38, 1-based): chr14:81,143,490, C>T. VCF-style: chr14-81143490-C-T. GRCh37 (hg19) VCF-style: chr14-81609834-C-T.
Other names: short protein forms H478Y.
Identifiers: ClinVar variation 4882998 (VCV004882998.2).
Genomic context (GRCh38, chr14:81,143,490, plus strand): 5'-TTTGCGGATTTCTGCATGGGGATGTACCTGCTCCTCATCGCCTCTGTAGACCTCTACACT[C>T]ACTCTGAGTACTACAACCATGCCATCGACTGGCAGACAGGCCCTGGGTGCAACACGGCTG-3'
Protein context (NP_000360.2, residues 468-488): LLIASVDLYT[His478Tyr]SEYYNHAIDW

ClinVar aggregate classification (germline): Uncertain significance (1 of 4 stars; one submission).

Submission:

Dasa
Classification: Uncertain significance. Last evaluated: 2026-03-02. Review status: criteria provided, single submitter. Criteria: DASA Assertion Criteria. Collection method: clinical testing. Allele origin: germline.
Comment: NM_000369.5(TSHR):c.1432C>T (p.His478Tyr) is a missense variant that results in the substitution of histidine with tyrosine. This variant is absent from population databases. The currently available literature and clinical evidence are not sufficient to establish a definitive association between this variant and the reported condition. Therefore, this variant is classified as a variant of uncertain significance.